The following is an entry in ClinVar:

ClinVar aggregate classification (germline): Uncertain significance (1 of 4 stars; one submission).

Submission:

Labcorp Genetics (formerly Invitae), Labcorp
Classification: Uncertain significance. Last evaluated: 2022-07-05. Review status: criteria provided, single submitter. Criteria: Invitae Variant Classification Sherloc (09022015). Collection method: clinical testing. Allele origin: germline.
Comment: In summary, the available evidence is currently insufficient to determine the role of this variant in disease. Therefore, it has been classified as a Variant of Uncertain Significance. This variant has not been reported in the literature in individuals affected with MTOR-related conditions. This variant results in the deletion of part of exon 26 (c.3940_3945-1546del) of the MTOR gene. It is expected to disrupt RNA splicing. Variants that disrupt the donor or acceptor splice site typically lead to a loss of protein function (PMID: 16199547), however the current clinical and genetic evidence is not sufficient to establish whether loss-of-function variants in MTOR cause disease.

Literature cited by the submitters: PubMed 16199547.

NC_000001.10:g.(?_11261306)_(11264622_?)del

Gene: MTOR (mechanistic target of rapamycin kinase; minus strand). Cytogenetic location: 1p36.22.
Variant type: Deletion.
Identifiers: ClinVar variation 2425247 (VCV002425247.4).